The following is an entry in ClinVar:

ClinVar aggregate classification (germline): Pathogenic (1 of 4 stars; one submission).

Conditions:
Marfan syndrome (MFS). Also called: MARFAN SYNDROME, TYPE I; Marfan syndrome type 1; Marfan's syndrome; Marfan syndrome, classic; FBN1-Related Marfan Syndrome. Identifiers: Orphanet 284963, Orphanet 558, MedGen C0024796, MONDO:0007947, OMIM 154700.
Familial thoracic aortic aneurysm and aortic dissection (TAAD). Also called: Thoracic aortic aneurysms and dissections. Identifiers: Orphanet 91387, MedGen C4707243, MONDO:0019625.

Submission:

Labcorp Genetics (formerly Invitae), Labcorp
Classification: Pathogenic for Marfan syndrome; Familial thoracic aortic aneurysm and aortic dissection. Last evaluated: 2021-02-23. Review status: criteria provided, single submitter. Criteria: Invitae Variant Classification Sherloc (09022015). Collection method: clinical testing. Allele origin: germline.
Comment: This variant is not present in population databases (ExAC no frequency). For these reasons, this variant has been classified as Pathogenic. This variant has not been reported in the literature in individuals with FBN1-related conditions. This sequence change creates a premature translational stop signal (p.Tyr311*) in the FBN1 gene. It is expected to result in an absent or disrupted protein product. Loss-of-function variants in FBN1 are known to be pathogenic (PMID: 17657824, 19293843).

Literature cited by the submitters: PubMed 17657824; PubMed 19293843.

NM_000138.5(FBN1):c.933C>G (p.Tyr311Ter)

Gene: FBN1 (fibrillin 1; minus strand). Cytogenetic location: 15q21.1.
Variant type: single nucleotide variant.
Coding change: c.933C>G on transcript NM_000138.5 (MANE Select); coding-DNA position 933, C replaced by G.
Protein change: p.Tyr311Ter; replaces tyrosine 311 with a stop codon.
Molecular consequence: nonsense.
Genome position (GRCh38, 1-based): chr15:48,526,185, G>C on the plus strand (C>G on the coding strand, the complement: FBN1 is on the minus strand). VCF-style: chr15-48526185-G-C. GRCh37 (hg19) VCF-style: chr15-48818382-G-C.
Other names: short protein forms Y311*.
Identifiers: ClinVar variation 1458672 (VCV001458672.6), dbSNP rs2141343382, ClinGen allele CA392350020.